The following is an entry in ClinVar:

ClinVar aggregate classification (germline): Uncertain significance (1 of 4 stars; one submission).

Conditions:
Progressive encephalopathy with leukodystrophy due to DECR deficiency. Identifiers: Orphanet 431361, MedGen C1857252, MONDO:0014464, OMIM 616034.

Submission:

Labcorp Genetics (formerly Invitae), Labcorp
Classification: Uncertain significance for Progressive encephalopathy with leukodystrophy due to DECR deficiency. Last evaluated: 2022-01-03. Review status: criteria provided, single submitter. Criteria: Invitae Variant Classification Sherloc (09022015). Collection method: clinical testing. Allele origin: germline.
Comment: In summary, the available evidence is currently insufficient to determine the role of this variant in disease. Therefore, it has been classified as a Variant of Uncertain Significance. Algorithms developed to predict the effect of missense changes on protein structure and function are either unavailable or do not agree on the potential impact of this missense change (SIFT: "Tolerated"; PolyPhen-2: "Possibly Damaging"; Align-GVGD: "Class C0"). This variant has not been reported in the literature in individuals affected with NADK2-related conditions. This variant is not present in population databases (gnomAD no frequency). This sequence change replaces methionine, which is neutral and non-polar, with isoleucine, which is neutral and non-polar, at codon 164 of the NADK2 protein (p.Met164Ile).

NM_001085411.3(NADK2):c.492G>T (p.Met164Ile)

Gene: NADK2 (NAD kinase 2, mitochondrial; minus strand). Cytogenetic location: 5p13.2.
Variant type: single nucleotide variant.
Coding change: c.492G>T on transcript NM_001085411.3 (MANE Select); coding-DNA position 492, G replaced by T.
Protein change: p.Met164Ile; replaces methionine 164 with isoleucine.
Molecular consequence: missense variant. On other transcripts: initiator codon variant (3).
Genome position (GRCh38, 1-based): chr5:36,225,610, C>A on the plus strand (G>T on the coding strand, the complement: NADK2 is on the minus strand). VCF-style: chr5-36225610-C-A. GRCh37 (hg19) VCF-style: chr5-36225712-C-A.
Other names: c.3G>T, p.Met1Ile (NM_001287340.2, NM_001287341.2, NM_153013.5); short protein forms M164I, M1I.
Identifiers: ClinVar variation 2068615 (VCV002068615.5), dbSNP rs2546205246, ClinGen allele CA359443927.